The following is an entry in ClinVar:

ClinVar aggregate classification (germline): Likely pathogenic (1 of 4 stars; one submission).

Submission:

GeneDx
Classification: Likely pathogenic. Last evaluated: 2017-06-12. Review status: criteria provided, single submitter. Criteria: GeneDx Variant Classification (06012015). Collection method: clinical testing. Allele origin: germline. Affected: yes.
Comment: The S931Y variant has not been published as a pathogenic variant, nor has it been reported as a benign variant to our knowledge. The S931Y variant is not observed in large population cohorts (Lek et al., 2016; 1000 Genomes Consortium et al., 2015; Exome Variant Server). The S931Y variant is a semi-conservative amino acid substitution, which may impact secondary protein structure as these residues differ in some properties. This substitution alters a conserved residue predicted to be within the pore forming loop between the S5 and S6 transmembrane segments of the second homologous domain. In silico analysis predicts this variant is probably damaging to the protein structure/function. Based on currently available evidence, S931Y is a strong candidate for a pathogenic variant. However, the possibility it is a rare benign variant cannot be excluded.

NM_001040142.2(SCN2A):c.2792C>A (p.Ser931Tyr)

Gene: SCN2A (sodium voltage-gated channel alpha subunit 2; plus strand). Cytogenetic location: 2q24.3.
Variant type: single nucleotide variant.
Coding change: c.2792C>A on transcript NM_001040142.2 (MANE Select); coding-DNA position 2792, C replaced by A.
Protein change: p.Ser931Tyr; replaces serine 931 with tyrosine.
Molecular consequence: missense variant.
Genome position (GRCh38, 1-based): chr2:165,344,784, C>A. VCF-style: chr2-165344784-C-A. GRCh37 (hg19) VCF-style: chr2-166201294-C-A.
Other names: c.2792C>A, p.Ser931Tyr (NM_001040143.2, NM_001371246.1, NM_001371247.1 and 1 more transcripts); short protein forms S931Y.
Identifiers: ClinVar variation 426287 (VCV000426287.2), dbSNP rs1085307541, ClinGen allele CA349015656.